The following is an entry in ClinVar:

NM_001267550.2(TTN):c.42993del (p.Phe14331fs)

Gene: TTN (titin; minus strand). Cytogenetic location: 2q31.2.
Variant type: Deletion.
Coding change: c.42993del on transcript NM_001267550.2 (MANE Select); coding-DNA position 42993, one base deleted (T; older notation c.42993delT).
Protein change: p.Phe14331fs; shifts the reading frame from phenylalanine 14331.
Molecular consequence: frameshift variant.
Genome position (GRCh38, 1-based): chr2:178,633,280, A deleted on the plus strand (T on the coding strand, the reverse complement: TTN is on the minus strand); the first of 3 consecutive A bases (chr2:178,633,280-178,633,282); deleting any one gives the same sequence. VCF-style (leftmost placement, unchanged base first): chr2-178633279-CA-C. GRCh37 (hg19) VCF-style: chr2-179498006-CA-C.
Other names: c.38070del, p.Phe12690fs (NM_001256850.1); c.15798del, p.Phe5266fs (NM_003319.4); c.35289del, p.Phe11763fs (NM_133378.4); c.16173del, p.Phe5391fs (NM_133432.3); c.16374del, p.Phe5458fs (NM_133437.4); short protein forms F11763fs, F14331fs, F5266fs, F12690fs, F5391fs, F5458fs.
Identifiers: ClinVar variation 2948366 (VCV002948366.3), dbSNP rs2471501034, ClinGen allele CA2740096351.

ClinVar aggregate classification (germline): Likely pathogenic (1 of 4 stars; one submission).

Conditions:
Dilated cardiomyopathy 1G (CMD1G). Identifiers: Orphanet 154, MedGen C1858763, MONDO:0011400, OMIM 604145.
Autosomal recessive limb-girdle muscular dystrophy type 2J (LGMDR10). Also called: Limb-girdle muscular dystrophy, type 2J; MUSCULAR DYSTROPHY, LIMB-GIRDLE, AUTOSOMAL RECESSIVE 10. Identifiers: Orphanet 140922, MedGen C1837342, MONDO:0012127, OMIM 608807.

Submission:

Labcorp Genetics (formerly Invitae), Labcorp
Classification: Likely pathogenic for Dilated cardiomyopathy 1G; Autosomal recessive limb-girdle muscular dystrophy type 2J. Last evaluated: 2024-10-18. Review status: criteria provided, single submitter. Criteria: Invitae Variant Classification Sherloc (09022015). Collection method: clinical testing. Allele origin: germline.
Comment: This sequence change creates a premature translational stop signal (p.Phe14331Leufs*23) in the TTN gene. While this is not anticipated to result in nonsense mediated decay, it is expected to create a truncated TTN protein. This variant is not present in population databases (gnomAD no frequency). This variant has not been reported in the literature in individuals affected with TTN-related conditions. This variant is located in the I band of TTN (PMID: 25589632). Truncating variants in this region have been reported in individuals affected with autosomal recessive centronuclear myopathy (PMID: 23975875, internal data). Truncating variants in this region have also been identified in individuals affected with autosomal dominant dilated cardiomyopathy and/or cardio-related conditions (PMID: 27869827, 32964742, internal data). In summary, the currently available evidence indicates that the variant is pathogenic, but additional data are needed to prove that conclusively. Therefore, this variant has been classified as Likely Pathogenic.

Literature cited by the submitters: PubMed 25589632; PubMed 23975875; PubMed 27869827; PubMed 32964742.